The following is an entry in ClinVar:

ClinVar aggregate classification (germline): Uncertain significance. Review status: criteria provided, multiple submitters, no conflicts (2 of 4 stars). 3 submissions from 2 submitters: Uncertain significance (3). Last evaluated 2017-05-19.

Conditions:
Monogenic diabetes. Identifiers: Orphanet 183625, MedGen C3888631, MONDO:0015967.
Transitory neonatal diabetes mellitus. Also called: Transient neonatal diabetes mellitus. Identifiers: MedGen C0342273, MONDO:0020525, HP:0008255.
Maturity-onset diabetes of the young (MODY). Also called: Maturity onset diabetes mellitus in young. Identifiers: Orphanet 552, MedGen C0342276, MONDO:0018911, HP:0004904.

Submissions (3):

Personalized Diabetes Medicine Program, University of Maryland School of Medicine
Classification: Uncertain significance for Monogenic diabetes. Last evaluated: 2017-05-19. Review status: criteria provided, single submitter. Criteria: ACMG Guidelines, 2015. Collection method: research. Allele origin: unknown. Observed: 1 variant allele, 1 heterozygote. Study: Personalized Diabetes Medicine Program.
Comment: ACMG Criteria:PP3 (9 predictors), PM2

Clinical Genomics, Uppaluri K&H Personalized Medicine Clinic
Classification: Uncertain significance for Maturity-onset diabetes of the young. Review status: criteria provided, single submitter. Criteria: K & H Uppaluri Personalized Medicine Clinic Variant Classification & Assertion Criteria_Updated V.1. Collection method: research. Allele origin: somatic. Inheritance: Somatic mutation.
Comment: Mutations in ABCC8 gene are associated with both neonatal diabetes mellitus as well as MODY. Patients with this mutation may have a better response to sulfonylureas. However, no sufficient evidence is found to ascertain the role of this particular variant (rs1554905775) in MODY yet.

Clinical Genomics, Uppaluri K&H Personalized Medicine Clinic
Classification: Uncertain significance for Transitory neonatal diabetes mellitus. Review status: criteria provided, single submitter. Criteria: K & H Uppaluri Personalized Medicine Clinic Variant Classification & Assertion Criteria_Updated V.1. Collection method: research. Allele origin: somatic. Inheritance: Somatic mutation.
Comment: Mutations in ABCC8 gene are associated with both neonatal diabetes mellitus as well as MODY. Patients with this mutation may have a better response to sulfonylureas. However, no sufficient evidence is found to ascertain the role of this particular variant (rs1554905775) in neonatal diabetes yet.

Literature cited by the submitters: PubMed 16885549 (cited by Clinical Genomics, Uppaluri K&H Personalized Medicine Clinic); PubMed 21989597 (cited by Clinical Genomics, Uppaluri K&H Personalized Medicine Clinic); PubMed 27538677 (cited by Clinical Genomics, Uppaluri K&H Personalized Medicine Clinic); PubMed 18981553 (cited by Clinical Genomics, Uppaluri K&H Personalized Medicine Clinic); PubMed 32027066 (cited by Clinical Genomics, Uppaluri K&H Personalized Medicine Clinic); PubMed 16613899 (cited by Clinical Genomics, Uppaluri K&H Personalized Medicine Clinic); PubMed 18025408 (cited by Clinical Genomics, Uppaluri K&H Personalized Medicine Clinic); PubMed 32792356 (cited by Clinical Genomics, Uppaluri K&H Personalized Medicine Clinic).

NM_000352.6(ABCC8):c.4043A>G (p.Asn1348Ser)

Gene: ABCC8 (ATP binding cassette subfamily C member 8; minus strand). Cytogenetic location: 11p15.1.
Variant type: single nucleotide variant.
Coding change: c.4043A>G on transcript NM_000352.6 (MANE Select); coding-DNA position 4043, A replaced by G.
Protein change: p.Asn1348Ser; replaces asparagine 1348 with serine.
Molecular consequence: missense variant. On other transcripts: non-coding transcript variant (1).
Genome position (GRCh38, 1-based): chr11:17,396,992, T>C on the plus strand (A>G on the coding strand, the complement: ABCC8 is on the minus strand). VCF-style: chr11-17396992-T-C. GRCh37 (hg19) VCF-style: chr11-17418539-T-C.
Other names: c.4046A>G, p.Asn1349Ser (NM_001287174.3); c.4109A>G, p.Asn1370Ser (NM_001351295.2); c.4043A>G, p.Asn1348Ser (NM_001351296.2); c.4040A>G, p.Asn1347Ser (NM_001351297.2); short protein forms N1348S, N1349S, N1370S, N1347S.
Identifiers: ClinVar variation 549539 (VCV000549539.3), dbSNP rs1554905775, ClinGen allele CA379790767.